The following is an entry in ClinVar:

NM_007118.4(TRIO):c.2314GAG[1] (p.Glu773del)

Gene: TRIO (trio Rho guanine nucleotide exchange factor; plus strand). Cytogenetic location: 5p15.2.
Variant type: Microsatellite.
Coding change: c.2314GAG[1] on transcript NM_007118.4 (MANE Select); one copy of the 3-base unit GAG starting at c.2314; the reference has two copies in a row; one copy, 3 bases deleted.
Protein change: p.Glu773del; deletes glutamic acid 773.
Molecular consequence: non-coding transcript variant (on NR_134469.2).
Genome position (GRCh38, 1-based): chr5:14,359,457-14,359,459, GAG deleted; deleting any 3 consecutive bases within chr5:14,359,453-14,359,459 gives the same sequence; the position shown is the placement nearest the transcript's 3' end. VCF-style (leftmost placement, unchanged base first): chr5-14359452-TGGA-T. GRCh37 (hg19) VCF-style: chr5-14359561-TGGA-T.
Other names: short protein forms E773del.
Identifiers: ClinVar variation 3370924 (VCV003370924.1).

ClinVar aggregate classification (germline): Uncertain significance (1 of 4 stars; one submission).

Submission:

GeneDx
Classification: Uncertain significance. Last evaluated: 2024-03-14. Review status: criteria provided, single submitter. Criteria: GeneDx Variant Classification Process June 2021. Collection method: clinical testing. Allele origin: germline. Affected: yes.
Comment: Not observed at significant frequency in large population cohorts (gnomAD); In-frame deletion of 1 amino acids in a non-repeat region; In silico analysis supports that this variant does not alter protein structure/function; Has not been previously published as pathogenic or benign to our knowledge